The following is an entry in ClinVar:

NM_002691.4(POLD1):c.2212A>C (p.Lys738Gln)

Gene: POLD1 (DNA polymerase delta 1, catalytic subunit; plus strand). Cytogenetic location: 19q13.33.
Variant type: single nucleotide variant.
Coding change: c.2212A>C on transcript NM_002691.4 (MANE Select); coding-DNA position 2212, A replaced by C.
Protein change: p.Lys738Gln; replaces lysine 738 with glutamine.
Molecular consequence: missense variant. On other transcripts: non-coding transcript variant (1).
Genome position (GRCh38, 1-based): chr19:50,413,483, A>C. VCF-style: chr19-50413483-A-C. GRCh37 (hg19) VCF-style: chr19-50916740-A-C.
Other names: c.2212A>C, p.Lys738Gln (NM_001256849.1); c.2290A>C, p.Lys764Gln (NM_001308632.1); c.2212A>C (NM_002691.2); short protein forms K764Q, K738Q.
Identifiers: ClinVar variation 962388 (VCV000962388.10), dbSNP rs1457064979, ClinGen allele CA406983679.

ClinVar aggregate classification (germline): Conflicting classifications of pathogenicity. Review status: criteria provided, conflicting classifications (1 of 4 stars). 3 submissions from 3 submitters: Uncertain significance (2); Likely benign (1). Last evaluated 2025-08-24.

Conditions:
POLD1-related polyposis and colorectal cancer syndrome (CRCS10). Also called: Colorectal cancer 10; COLORECTAL CANCER, SUSCEPTIBILITY TO, ON CHROMOSOME 19q; Colorectal cancer, susceptibility to, 10. Identifiers: Orphanet 220460, MedGen C2675481, MONDO:0012953, OMIM 612591.
Hereditary cancer-predisposing syndrome. Also called: Tumor predisposition; Hereditary Cancer Syndrome; Hereditary neoplastic syndrome; Neoplastic Syndromes, Hereditary. Identifiers: Orphanet 140162, MedGen C0027672, MeSH D009386, MONDO:0015356.

Allele frequency attached by ClinVar (database versions not stated): gnomAD exomes below 0.00001.
gnomAD v4.1: 1 of 1,612,910 alleles (0.000062%); highest among the groups gnomAD compares: Non-Finnish European, 0.000085%; no homozygotes.

Submissions (3):

Labcorp Genetics (formerly Invitae), Labcorp
Classification: Uncertain significance for POLD1-related polyposis and colorectal cancer syndrome. Last evaluated: 2025-08-24. Review status: criteria provided, single submitter. Criteria: Invitae Variant Classification Sherloc (09022015). Collection method: clinical testing. Allele origin: germline.
Comment: This sequence change replaces lysine, which is basic and polar, with glutamine, which is neutral and polar, at codon 738 of the POLD1 protein (p.Lys738Gln). This variant is present in population databases (no rsID available, gnomAD 0.0009%). This variant has not been reported in the literature in individuals affected with POLD1-related conditions. ClinVar contains an entry for this variant (Variation ID: 962388). Invitae Evidence Modeling of protein sequence and biophysical properties (such as structural, functional, and spatial information, amino acid conservation, physicochemical variation, residue mobility, and thermodynamic stability) indicates that this missense variant is not expected to disrupt POLD1 protein function with a negative predictive value of 80%. In summary, the available evidence is currently insufficient to determine the role of this variant in disease. Therefore, it has been classified as a Variant of Uncertain Significance.

Ambry Genetics
Classification: Likely benign for Hereditary cancer-predisposing syndrome. Last evaluated: 2024-12-16. Review status: criteria provided, single submitter. Criteria: Ambry Variant Classification Scheme 2023. Collection method: clinical testing. Allele origin: germline.

GeneDx
Classification: Uncertain significance. Last evaluated: 2023-09-20. Review status: criteria provided, single submitter. Criteria: GeneDx Variant Classification Process June 2021. Collection method: clinical testing. Allele origin: germline. Affected: yes.
Comment: Has not been previously published as pathogenic or benign to our knowledge; Not observed at significant frequency in large population cohorts (gnomAD); In silico analysis supports that this missense variant does not alter protein structure/function